The following is an entry in ClinVar:

NM_174916.3(UBR1):c.5147G>A (p.Arg1716Gln)

Gene: UBR1 (ubiquitin protein ligase E3 component n-recognin 1; minus strand). Cytogenetic location: 15q15.2.
Variant type: single nucleotide variant.
Coding change: c.5147G>A on transcript NM_174916.3 (MANE Select); coding-DNA position 5147, G replaced by A.
Protein change: p.Arg1716Gln; replaces arginine 1716 with glutamine.
Molecular consequence: missense variant.
Genome position (GRCh38, 1-based): chr15:42,945,432, C>T on the plus strand (G>A on the coding strand, the complement: UBR1 is on the minus strand). VCF-style: chr15-42945432-C-T. GRCh37 (hg19) VCF-style: chr15-43237630-C-T.
Other names: c.5147G>A (NM_174916.2); short protein forms R1716Q.
Identifiers: ClinVar variation 2185652 (VCV002185652.4), dbSNP rs767128461, ClinGen allele CA7517657.

ClinVar aggregate classification (germline): Uncertain significance. Review status: criteria provided, multiple submitters, no conflicts (2 of 4 stars). 3 submissions from 3 submitters: Uncertain significance (3). Last evaluated 2026-05-01.

Conditions:
Inborn genetic diseases. Identifiers: MedGen C0950123, MeSH D030342.
UBR1-related disorder. Also called: UBR1-related condition.

Allele frequency attached by ClinVar (database versions not stated): gnomAD exomes 0.00002; TOPMed 0.00002; gnomAD 0.00003; ExAC 0.00005.
gnomAD v4.1: 29 of 1,613,826 alleles (0.0018%); highest among the groups gnomAD compares: Middle Eastern, 0.016%; no homozygotes.

Submissions (3):

PreventionGenetics, part of Exact Sciences
Classification: Uncertain significance for UBR1-related condition. Last evaluated: 2026-05-01. Review status: criteria provided, single submitter. Criteria: ACMG Guidelines, 2015. Collection method: clinical testing. Allele origin: germline.
Comment: The UBR1 c.5147G>A variant is predicted to result in the amino acid substitution p.Arg1716Gln. To our knowledge, this variant has not been reported in the literature. This variant is reported in 0.023% of alleles in individuals of Latino descent in gnomAD. At this time, the clinical significance of this variant is uncertain due to the absence of conclusive functional and genetic evidence.

Ambry Genetics
Classification: Uncertain significance for Inborn genetic diseases. Last evaluated: 2025-11-07. Review status: criteria provided, single submitter. Criteria: Ambry Variant Classification Scheme 2023. Collection method: clinical testing. Allele origin: germline.

Labcorp Genetics (formerly Invitae), Labcorp
Classification: Uncertain significance. Last evaluated: 2022-10-05. Review status: criteria provided, single submitter. Criteria: Invitae Variant Classification Sherloc (09022015). Collection method: clinical testing. Allele origin: germline.
Comment: This sequence change replaces arginine, which is basic and polar, with glutamine, which is neutral and polar, at codon 1716 of the UBR1 protein (p.Arg1716Gln). This variant is present in population databases (rs767128461, gnomAD 0.02%). This variant has not been reported in the literature in individuals affected with UBR1-related conditions. Advanced modeling of protein sequence and biophysical properties (such as structural, functional, and spatial information, amino acid conservation, physicochemical variation, residue mobility, and thermodynamic stability) performed at Invitae indicates that this missense variant is not expected to disrupt UBR1 protein function. In summary, the available evidence is currently insufficient to determine the role of this variant in disease. Therefore, it has been classified as a Variant of Uncertain Significance.